The following is an entry in ClinVar:

ClinVar aggregate classification (germline): Uncertain significance (1 of 4 stars; one submission).

Submission:

GeneDx
Classification: Uncertain significance. Last evaluated: 2023-05-04. Review status: criteria provided, single submitter. Criteria: GeneDx Variant Classification Process June 2021. Collection method: clinical testing. Allele origin: germline. Affected: yes.
Comment: Frameshift variant predicted to result in protein truncation or nonsense mediated decay in a gene or region of a gene for which loss of function is not a well-established mechanism of disease; Not observed at significant frequency in large population cohorts (gnomAD); Has not been previously published as pathogenic or benign to our knowledge

NM_001371727.1(GABRB2):c.872_876dup (p.Arg293fs)

Gene: GABRB2 (gamma-aminobutyric acid type A receptor subunit beta2; minus strand). Cytogenetic location: 5q34.
Variant type: Duplication.
Coding change: c.872_876dup on transcript NM_001371727.1 (MANE Select); coding-DNA positions 872 to 876, 5 bases duplicated (ACCTC; older notation c.872_876dupACCTC).
Protein change: p.Arg293fs; shifts the reading frame from arginine 293.
Molecular consequence: frameshift variant.
Genome position (GRCh38, 1-based): chr5:161,331,084-161,331,088, GAGGT duplicated on the plus strand (ACCTC on the coding strand, the reverse complement: GABRB2 is on the minus strand); duplicating any 5 consecutive bases within chr5:161,331,084-161,331,089 gives the same sequence; the c. name uses the placement nearest the transcript's 3' end. VCF-style (leftmost placement, unchanged base first): chr5-161331083-G-GGAGGT. GRCh37 (hg19) VCF-style: chr5-160758090-G-GGAGGT.
Other names: c.872_876dup, p.Arg293fs (NM_000813.3, NM_021911.3); short protein forms R293fs.
Identifiers: ClinVar variation 3343258 (VCV003343258.1).
Genomic context (GRCh38, chr5:161,331,083, plus strand): 5'-AGCACCCCATCAGGTACATGTCAATGGCCTTCACATAGGGGATTTTAGGGAGAGTTTCCC[G>GGAGGT]GAGGTGGGTGTTGATTGTGGTCATTGTGAGGACAGTTGTGATTCCTGAAAAAAAATGGGA-3'